The following is an entry in ClinVar:

ClinVar aggregate classification (germline): Benign. Review status: criteria provided, multiple submitters, no conflicts (2 of 4 stars). 16 submissions from 16 submitters: Benign (12). 4 of the submissions do not count toward it. Last evaluated 2026-02-04.

Conditions:
Juvenile polyposis syndrome (JPS). Identifiers: Orphanet 2929, MedGen C0345893, MONDO:0017380, OMIM 174900.
Hereditary cancer-predisposing syndrome. Also called: Tumor predisposition; Hereditary neoplastic syndrome; Hereditary Cancer Syndrome; Neoplastic Syndromes, Hereditary. Identifiers: Orphanet 140162, MedGen C0027672, MeSH D009386, MONDO:0015356.
Generalized juvenile polyposis/juvenile polyposis coli. Also called: Juvenile polyposis coli. Identifiers: Orphanet 329971, MedGen C1868081, MONDO:0008276.

Allele frequency attached by ClinVar (database versions not stated): gnomAD exomes 0.28659 and 0.35424; ExAC 0.35376; ESP Exome Variant Server 0.38982; gnomAD 0.40358 and 0.40534; TOPMed 0.41809; 1000 Genomes Project 30x 0.49360; 1000 Genomes Project 0.49661.
gnomAD v4.1: 482,213 of 1,613,372 alleles (30%); highest among the groups gnomAD compares: East Asian, 71%; 83,813 homozygotes.

Submissions (18):

Labcorp Genetics (formerly Invitae), Labcorp
Classification: Benign for Juvenile polyposis syndrome. Last evaluated: 2026-02-04. Review status: criteria provided, single submitter. Criteria: Invitae Variant Classification Sherloc (09022015). Collection method: clinical testing. Allele origin: germline.

GeneKor MSA
Classification: Benign for Hereditary cancer-predisposing syndrome. Last evaluated: 2025-07-10. Review status: criteria provided, single submitter. Criteria: ACMG Guidelines, 2015. Collection method: clinical testing. Allele origin: germline.

Blueprint Genetics
Classification: Benign. Last evaluated: 2024-11-27. Review status: criteria provided, single submitter. Criteria: ACMG Guidelines, 2015. Collection method: clinical testing. Allele origin: germline.

Myriad Genetics, Inc.
Classification: Benign for Juvenile polyposis syndrome. Last evaluated: 2024-08-07. Review status: criteria provided, single submitter. Criteria: Myriad Autosomal Dominant, Autosomal Recessive and X-Linked Classification Criteria (2023). Collection method: clinical testing. Allele origin: unknown.
Comment: This variant is considered benign. This variant is intronic and is not expected to impact mRNA splicing. This variant has been observed at a population frequency that is significantly greater than expected given the associated disease prevalence and penetrance.

KCCC/NGS Laboratory, Kuwait Cancer Control Center
Classification: Benign for Juvenile polyposis syndrome. Last evaluated: 2023-07-07. Review status: criteria provided, single submitter. Criteria: ACMG Guidelines, 2015. Collection method: clinical testing. Allele origin: germline. Affected: yes.

Genome-Nilou Lab
Classification: Benign for Juvenile polyposis syndrome. Last evaluated: 2021-07-14. Review status: criteria provided, single submitter. Criteria: ACMG Guidelines, 2015. Collection method: clinical testing. Allele origin: germline. Affected: no.

ARUP Laboratories, Molecular Genetics and Genomics, ARUP Laboratories
Classification: Benign. Last evaluated: 2021-07-12. Review status: criteria provided, single submitter. Criteria: ARUP Molecular Germline Variant Investigation Process 2021. Collection method: clinical testing. Allele origin: germline.

Illumina Laboratory Services, Illumina
Classification: Benign for Juvenile polyposis syndrome. Last evaluated: 2018-01-12. Review status: criteria provided, single submitter. Criteria: ICSL Variant Classification Criteria 13 December 2019. Collection method: clinical testing. Allele origin: germline.
Comment: This variant was observed in the ICSL laboratory as part of a predisposition screen in an ostensibly healthy population. It had not been previously curated by ICSL or reported in the Human Gene Mutation Database (HGMD: prior to June 1st, 2018), and was therefore a candidate for classification through an automated scoring system. Utilizing variant allele frequency, disease prevalence and penetrance estimates, and inheritance mode, an automated score was calculated to assess if this variant is too frequent to cause the disease. Based on the score and internal cut-off values, a variant classified as benign is not then subjected to further curation. The score for this variant resulted in a classification of benign for this disease.

Color Diagnostics, LLC DBA Color Health
Classification: Benign for Hereditary cancer-predisposing syndrome. Last evaluated: 2016-03-09. Review status: criteria provided, single submitter. Criteria: ACMG Guidelines, 2015. Collection method: clinical testing. Allele origin: germline.

GeneDx
Classification: Benign. Last evaluated: 2015-03-03. Review status: criteria provided, single submitter. Criteria: GeneDx Variant Classification Process June 2021. Collection method: clinical testing. Allele origin: germline. Affected: yes.

Breakthrough Genomics
Classification: Benign. Review status: criteria provided, single submitter. Criteria: ACMG Guidelines, 2015. Collection method: not provided. Allele origin: germline. Inheritance: Autosomal dominant inheritance. Affected: yes.

PreventionGenetics, part of Exact Sciences
Classification: Benign. Review status: criteria provided, single submitter. Criteria: ACMG Guidelines, 2015. Collection method: clinical testing. Allele origin: germline.

Clinical Genetics DNA and cytogenetics Diagnostics Lab, Erasmus MC, Erasmus Medical Center
Classification: Benign. Review status: no assertion criteria provided. Collection method: clinical testing. Allele origin: germline. Affected: yes. Study: VKGL Data-share Consensus. Not counted in ClinVar's aggregate classification.

Clinical Genetics, Academic Medical Center
Classification: Benign. Review status: no assertion criteria provided. Collection method: clinical testing. Allele origin: germline. Affected: yes. Study: VKGL Data-share Consensus. Not counted in ClinVar's aggregate classification.

Dr. Peter K. Rogan Lab, Western University
No classification provided (evidence only). Condition: Familial cancer of breast. Review status: no classification provided. Collection method: in vitro. Allele origin: not applicable. Functional consequence: retained intron. Not counted in ClinVar's aggregate classification.

Dr. Peter K. Rogan Lab, Western University
No classification provided (evidence only). Condition: Hepatocellular carcinoma. Review status: no classification provided. Collection method: in vitro. Allele origin: not applicable. Functional consequence: retained intron. Not counted in ClinVar's aggregate classification.

Joint Genome Diagnostic Labs from Nijmegen and Maastricht, Radboudumc and MUMC+
Classification: Benign. Review status: no assertion criteria provided. Collection method: clinical testing. Allele origin: germline. Affected: yes. Study: VKGL Data-share Consensus. Not counted in ClinVar's aggregate classification.

Mayo Clinic Laboratories, Mayo Clinic
Classification: Benign. Review status: no assertion criteria provided. Collection method: clinical testing. Allele origin: unknown. Not counted in ClinVar's aggregate classification.

NM_004329.3(BMPR1A):c.1343-11T>C

Gene: BMPR1A (bone morphogenetic protein receptor type 1A; plus strand). Cytogenetic location: 10q23.2.
Variant type: single nucleotide variant.
Coding change: c.1343-11T>C on transcript NM_004329.3 (MANE Select); 11 bases into the intron before coding-DNA position 1343, T replaced by C.
Molecular consequence: intron variant.
Genome position (GRCh38, 1-based): chr10:86,923,365, T>C. VCF-style: chr10-86923365-T-C. GRCh37 (hg19) VCF-style: chr10-88683122-T-C.
Identifiers: ClinVar variation 259286 (VCV000259286.40), dbSNP rs7074064, ClinGen allele CA5585701.
Genomic context (GRCh38, chr10:86,923,365, plus strand): 5'-AGATGCTTACTAGATTGGTATATCTTGTCCAGCAACCATTTTTGTGCCCATGTTTTCTCA[T>C]TCCCTTATAGGGATCGTGGAAGAATACCAATTGCCATATTACAACATGGTACCGAGTGAT-3'